The following is an entry in ClinVar:

NM_033109.5(PNPT1):c.1814C>T (p.Pro605Leu)

Gene: PNPT1 (polyribonucleotide nucleotidyltransferase 1; minus strand). Cytogenetic location: 2p16.1.
Variant type: single nucleotide variant.
Coding change: c.1814C>T on transcript NM_033109.5 (MANE Select); coding-DNA position 1814, C replaced by T.
Protein change: p.Pro605Leu; replaces proline 605 with leucine.
Molecular consequence: missense variant.
Genome position (GRCh38, 1-based): chr2:55,645,357, G>A on the plus strand (C>T on the coding strand, the complement: PNPT1 is on the minus strand). VCF-style: chr2-55645357-G-A. GRCh37 (hg19) VCF-style: chr2-55872492-G-A.
Other names: short protein forms P605L.
Identifiers: ClinVar variation 1493789 (VCV001493789.4), dbSNP rs1172004107, ClinGen allele CA346924702.

ClinVar aggregate classification (germline): Uncertain significance (1 of 4 stars; one submission).

gnomAD v4.1: 2 of 1,605,836 alleles (0.00012%); highest among the groups gnomAD compares: Non-Finnish European, 0.00017%; no homozygotes.

Submission:

Labcorp Genetics (formerly Invitae), Labcorp
Classification: Uncertain significance. Last evaluated: 2021-10-04. Review status: criteria provided, single submitter. Criteria: Invitae Variant Classification Sherloc (09022015). Collection method: clinical testing. Allele origin: germline.
Comment: In summary, the available evidence is currently insufficient to determine the role of this variant in disease. Therefore, it has been classified as a Variant of Uncertain Significance. Advanced modeling of protein sequence and biophysical properties (such as structural, functional, and spatial information, amino acid conservation, physicochemical variation, residue mobility, and thermodynamic stability) performed at Invitae indicates that this missense variant is expected to disrupt PNPT1 protein function. This variant has not been reported in the literature in individuals affected with PNPT1-related conditions. This variant is not present in population databases (ExAC no frequency). This sequence change replaces proline with leucine at codon 605 of the PNPT1 protein (p.Pro605Leu). The proline residue is highly conserved and there is a moderate physicochemical difference between proline and leucine.